The following is an entry in ClinVar:

ClinVar aggregate classification (germline): Benign. Review status: criteria provided, multiple submitters, no conflicts (2 of 4 stars). 6 submissions from 6 submitters: Benign (4). 2 of the submissions do not count toward it. Last evaluated 2026-02-04.

Allele frequency attached by ClinVar (database versions not stated): 1000 Genomes Project 0.04173; 1000 Genomes Project 30x 0.04201; gnomAD exomes 0.04711; ExAC 0.04801; TOPMed 0.04864; gnomAD 0.05072 and 0.05149; ESP Exome Variant Server 0.05261.
gnomAD v4.1: 83,682 of 1,614,044 alleles (5.2%); highest among the groups gnomAD compares: African/African-American, 5.4%; 2,270 homozygotes.

Submissions (6):

Labcorp Genetics (formerly Invitae), Labcorp
Classification: Benign. Last evaluated: 2026-02-04. Review status: criteria provided, single submitter. Criteria: Invitae Variant Classification Sherloc (09022015). Collection method: clinical testing. Allele origin: germline.

Mayo Clinic Laboratories, Mayo Clinic
Classification: Benign. Last evaluated: 2022-04-17. Review status: criteria provided, single submitter. Criteria: ACMG Guidelines, 2015. Collection method: clinical testing. Allele origin: germline. Observed: 9 variant alleles.

GeneDx
Classification: Benign. Last evaluated: 2017-09-26. Review status: criteria provided, single submitter. Criteria: GeneDx Variant Classification (06012015). Collection method: clinical testing. Allele origin: germline. Affected: yes.
Comment: This variant is considered likely benign or benign based on one or more of the following criteria: it is a conservative change, it occurs at a poorly conserved position in the protein, it is predicted to be benign by multiple in silico algorithms, and/or has population frequency not consistent with disease.

Breakthrough Genomics
Classification: Benign. Review status: criteria provided, single submitter. Criteria: ACMG Guidelines, 2015. Collection method: not provided. Allele origin: germline. Inheritance: Autosomal dominant inheritance. Affected: yes.

Diagnostic Laboratory, Department of Genetics, University Medical Center Groningen
Classification: Benign. Review status: no assertion criteria provided. Collection method: clinical testing. Allele origin: germline. Affected: yes. Study: VKGL Data-share Consensus. Not counted in ClinVar's aggregate classification.

Joint Genome Diagnostic Labs from Nijmegen and Maastricht, Radboudumc and MUMC+
Classification: Benign. Review status: no assertion criteria provided. Collection method: clinical testing. Allele origin: germline. Affected: yes. Study: VKGL Data-share Consensus. Not counted in ClinVar's aggregate classification.

NM_001042517.2(DIAPH3):c.3471G>A (p.Ala1157=)

Gene: DIAPH3 (diaphanous related formin 3; minus strand). Cytogenetic location: 13q21.2.
Variant type: single nucleotide variant.
Coding change: c.3471G>A on transcript NM_001042517.2 (MANE Select); coding-DNA position 3471, G replaced by A.
Protein change: p.Ala1157=; no amino-acid change (alanine 1157 retained).
Molecular consequence: synonymous variant.
Genome position (GRCh38, 1-based): chr13:59,666,695, C>T on the plus strand (G>A on the coding strand, the complement: DIAPH3 is on the minus strand). VCF-style: chr13-59666695-C-T. GRCh37 (hg19) VCF-style: chr13-60240829-C-T.
Other names: p.Ala1157=; c.3438G>A, p.Ala1146= (NM_001258366.2); c.3333G>A, p.Ala1111= (NM_001258367.2); c.3261G>A, p.Ala1087= (NM_001258368.2).
Identifiers: ClinVar variation 517828 (VCV000517828.16), dbSNP rs41293422, ClinGen allele CA6996025.